The following is an entry in ClinVar:

NM_144573.4(NEXN):c.794A>C (p.Gln265Pro)

Gene: NEXN (nexilin F-actin binding protein; plus strand). Cytogenetic location: 1p31.1.
Variant type: single nucleotide variant.
Coding change: c.794A>C on transcript NM_144573.4 (MANE Select); coding-DNA position 794, A replaced by C.
Protein change: p.Gln265Pro; replaces glutamine 265 with proline.
Molecular consequence: missense variant.
Genome position (GRCh38, 1-based): chr1:77,926,822, A>C. VCF-style: chr1-77926822-A-C. GRCh37 (hg19) VCF-style: chr1-78392507-A-C.
Other names: c.602A>C, p.Gln201Pro (NM_001172309.2); short protein forms Q201P, Q265P.
Identifiers: ClinVar variation 1009523 (VCV001009523.11), dbSNP rs1649888139, ClinGen allele CA340874277.

ClinVar aggregate classification (germline): Uncertain significance. Review status: criteria provided, multiple submitters, no conflicts (2 of 4 stars). 2 submissions from 2 submitters: Uncertain significance (2). Last evaluated 2022-04-03.

Conditions:
Cardiovascular phenotype. Identifiers: MedGen CN230736.
Dilated cardiomyopathy 1CC (CMD1CC). Identifiers: Orphanet 154, MedGen C2751084, MONDO:0013147, OMIM 613122.
Hypertrophic cardiomyopathy 20. Identifiers: MedGen C3151267, MONDO:0013477, OMIM 613876.

Submissions (2):

Ambry Genetics
Classification: Uncertain significance for Cardiovascular phenotype. Last evaluated: 2022-04-03. Review status: criteria provided, single submitter. Criteria: Ambry Variant Classification Scheme 2023. Collection method: clinical testing. Allele origin: germline.
Comment: The p.Q265P variant (also known as c.794A>C), located in coding exon 7 of the NEXN gene, results from an A to C substitution at nucleotide position 794. The glutamine at codon 265 is replaced by proline, an amino acid with similar properties. This amino acid position is conserved. In addition, the in silico prediction for this alteration is inconclusive. Since supporting evidence is limited at this time, the clinical significance of this alteration remains unclear.

Labcorp Genetics (formerly Invitae), Labcorp
Classification: Uncertain significance for Dilated cardiomyopathy 1CC; Hypertrophic cardiomyopathy 20. Last evaluated: 2020-02-07. Review status: criteria provided, single submitter. Criteria: Invitae Variant Classification Sherloc (09022015). Collection method: clinical testing. Allele origin: germline.
Comment: Algorithms developed to predict the effect of missense changes on protein structure and function are either unavailable or do not agree on the potential impact of this missense change (SIFT: "Deleterious"; PolyPhen-2: "Possibly Damaging"; Align-GVGD: "Class C15"). In summary, the available evidence is currently insufficient to determine the role of this variant in disease. Therefore, it has been classified as a Variant of Uncertain Significance. This variant has not been reported in the literature in individuals with NEXN-related conditions. This sequence change replaces glutamine with proline at codon 265 of the NEXN protein (p.Gln265Pro). The glutamine residue is highly conserved and there is a moderate physicochemical difference between glutamine and proline. This variant is not present in population databases (ExAC no frequency).